The following is an entry in ClinVar:

ClinVar aggregate classification (germline): Uncertain significance. Review status: criteria provided, multiple submitters, no conflicts (2 of 4 stars). 3 submissions from 3 submitters: Uncertain significance (3). Last evaluated 2024-07-17.

Conditions:
Autosomal dominant Parkinson disease 8. Also called: LRRK2-Related Parkinson Disease; Parkinson disease 8; Parkinson disease 8, susceptibility to. Identifiers: Orphanet 411602, MedGen C1846862, MONDO:0011764, OMIM 607060.
Inborn genetic diseases. Identifiers: MedGen C0950123, MeSH D030342.

Allele frequency attached by ClinVar (database versions not stated): ExAC 0.00001; gnomAD exomes 0.00001; gnomAD 0.00002 and 0.00003; TOPMed 0.00002; 1000 Genomes Project 30x 0.00016; 1000 Genomes Project 0.00020.
gnomAD v4.1: 9 of 1,613,248 alleles (0.00056%); highest among the groups gnomAD compares: African/African-American, 0.008%; no homozygotes.

Submissions (3):

Labcorp Genetics (formerly Invitae), Labcorp
Classification: Uncertain significance for Autosomal dominant Parkinson disease 8. Last evaluated: 2024-07-17. Review status: criteria provided, single submitter. Criteria: Invitae Variant Classification Sherloc (09022015). Collection method: clinical testing. Allele origin: germline.
Comment: This sequence change replaces histidine, which is basic and polar, with arginine, which is basic and polar, at codon 967 of the LRRK2 protein (p.His967Arg). This variant is present in population databases (rs533409083, gnomAD 0.01%). This variant has not been reported in the literature in individuals affected with LRRK2-related conditions. ClinVar contains an entry for this variant (Variation ID: 308621). Advanced modeling of protein sequence and biophysical properties (such as structural, functional, and spatial information, amino acid conservation, physicochemical variation, residue mobility, and thermodynamic stability) performed at Invitae indicates that this missense variant is not expected to disrupt LRRK2 protein function with a negative predictive value of 80%. In summary, the available evidence is currently insufficient to determine the role of this variant in disease. Therefore, it has been classified as a Variant of Uncertain Significance.

Ambry Genetics
Classification: Uncertain significance for Inborn genetic diseases. Last evaluated: 2023-11-22. Review status: criteria provided, single submitter. Criteria: Ambry Variant Classification Scheme 2023. Collection method: clinical testing. Allele origin: germline.
Comment: The p.H967R variant (also known as c.2900A>G), located in coding exon 23 of the LRRK2 gene, results from an A to G substitution at nucleotide position 2900. The histidine at codon 967 is replaced by arginine, an amino acid with highly similar properties. This amino acid position is conserved. In addition, this alteration is predicted to be tolerated by in silico analysis. Since supporting evidence is limited at this time, the clinical significance of this alteration remains unclear.

Illumina Laboratory Services, Illumina
Classification: Uncertain significance for Autosomal dominant Parkinson disease 8. Last evaluated: 2018-01-13. Review status: criteria provided, single submitter. Criteria: ICSL Variant Classification Criteria 13 December 2019. Collection method: clinical testing. Allele origin: germline.

NM_198578.4(LRRK2):c.2900A>G (p.His967Arg)

Gene: LRRK2 (leucine rich repeat kinase 2; plus strand). Cytogenetic location: 12q12.
Variant type: single nucleotide variant.
Coding change: c.2900A>G on transcript NM_198578.4 (MANE Select); coding-DNA position 2900, A replaced by G.
Protein change: p.His967Arg; replaces histidine 967 with arginine.
Molecular consequence: missense variant.
Genome position (GRCh38, 1-based): chr12:40,295,448, A>G. VCF-style: chr12-40295448-A-G. GRCh37 (hg19) VCF-style: chr12-40689250-A-G.
Other names: short protein forms H967R.
Identifiers: ClinVar variation 308621 (VCV000308621.12), dbSNP rs533409083, ClinGen allele CA6513782.
Genomic context (GRCh38, chr12:40,295,448, plus strand): 5'-TTGCTTATATTTCCATTGTTTGTTTGTTTTTGACAAAAGGGTCATCAAAACTTCAATCCC[A>G]TATGAGGCATTCAGACAGCATTTCTTCTCTGGCTTCTGAGAGAGAATATATTACATCACT-3'
Protein context (NP_940980.4, residues 957-977): DSLRSSKLQS[His967Arg]MRHSDSISSL